The following is an entry in ClinVar:

NM_006206.6(PDGFRA):c.842C>T (p.Thr281Met)

Gene: PDGFRA (platelet derived growth factor receptor alpha; plus strand). Cytogenetic location: 4q12.
Variant type: single nucleotide variant.
Coding change: c.842C>T on transcript NM_006206.6 (MANE Select); coding-DNA position 842, C replaced by T.
Protein change: p.Thr281Met; replaces threonine 281 with methionine.
Molecular consequence: missense variant.
Genome position (GRCh38, 1-based): chr4:54,267,371, C>T. VCF-style: chr4-54267371-C-T. GRCh37 (hg19) VCF-style: chr4-55133538-C-T.
Other names: c.842C>T, p.Thr281Met (NM_001347827.2, NM_001347829.2); c.917C>T, p.Thr306Met (NM_001347828.2); c.881C>T, p.Thr294Met (NM_001347830.2); short protein forms T281M, T294M, T306M.
Identifiers: ClinVar variation 240363 (VCV000240363.14), dbSNP rs770343276, ClinGen allele CA2922405.

ClinVar aggregate classification (germline): Uncertain significance. Review status: criteria provided, multiple submitters, no conflicts (2 of 4 stars). 3 submissions from 3 submitters: Uncertain significance (3). Last evaluated 2025-11-17.

Conditions:
Hereditary cancer-predisposing syndrome. Also called: Neoplastic Syndromes, Hereditary; Hereditary neoplastic syndrome; Hereditary Cancer Syndrome; Tumor predisposition. Identifiers: Orphanet 140162, MedGen C0027672, MeSH D009386, MONDO:0015356.
Gastrointestinal stromal tumor. Also called: Gastrointestinal stromal tumor, somatic; Gastrointestinal stroma tumor. Identifiers: Orphanet 44890, MedGen C0238198, MeSH D046152, MONDO:0011719, OMIM 606764, HP:0100723.

Allele frequency attached by ClinVar (database versions not stated): gnomAD exomes 0.00001; ExAC 0.00002; gnomAD 0.00003; TOPMed 0.00012.
gnomAD v4.1: 22 of 1,613,982 alleles (0.0014%); highest among the groups gnomAD compares: Middle Eastern, 0.016%; no homozygotes.

Submissions (3):

Labcorp Genetics (formerly Invitae), Labcorp
Classification: Uncertain significance for Gastrointestinal stromal tumor. Last evaluated: 2025-11-17. Review status: criteria provided, single submitter. Criteria: Invitae Variant Classification Sherloc (09022015). Collection method: clinical testing. Allele origin: germline.
Comment: This sequence change replaces threonine, which is neutral and polar, with methionine, which is neutral and non-polar, at codon 281 of the PDGFRA protein (p.Thr281Met). This variant is present in population databases (rs770343276, gnomAD 0.006%). This variant has not been reported in the literature in individuals affected with PDGFRA-related conditions. ClinVar contains an entry for this variant (Variation ID: 240363). Invitae Evidence Modeling of protein sequence and biophysical properties (such as structural, functional, and spatial information, amino acid conservation, physicochemical variation, residue mobility, and thermodynamic stability) indicates that this missense variant is not expected to disrupt PDGFRA protein function with a negative predictive value of 80%. In summary, the available evidence is currently insufficient to determine the role of this variant in disease. Therefore, it has been classified as a Variant of Uncertain Significance.

GeneDx
Classification: Uncertain significance. Last evaluated: 2025-06-04. Review status: criteria provided, single submitter. Criteria: GeneDx Variant Classification Process June 2021. Collection method: clinical testing. Allele origin: germline.
Comment: Not observed at significant frequency in large population cohorts (gnomAD); In silico analysis suggests that this missense variant does not alter protein structure/function; This variant is associated with the following publications: (PMID: 34130653)

Ambry Genetics
Classification: Uncertain significance for Hereditary cancer-predisposing syndrome. Last evaluated: 2025-03-17. Review status: criteria provided, single submitter. Criteria: Ambry Variant Classification Scheme 2023. Collection method: clinical testing. Allele origin: germline.
Comment: The p.T281M variant (also known as c.842C>T), located in coding exon 5 of the PDGFRA gene, results from a C to T substitution at nucleotide position 842. The threonine at codon 281 is replaced by methionine, an amino acid with similar properties. This amino acid position is well conserved in available vertebrate species. In addition, this alteration is predicted to be tolerated by in silico analysis. Based on the available evidence, the clinical significance of this variant remains unclear.